The following is an entry in ClinVar:

NM_001394372.1(BICRA):c.1671G>T (p.Met557Ile)

Gene: BICRA (BRD4 interacting chromatin remodeling complex associated protein; plus strand). Cytogenetic location: 19q13.33.
Variant type: single nucleotide variant.
Coding change: c.1671G>T on transcript NM_001394372.1 (MANE Select); coding-DNA position 1671, G replaced by T.
Protein change: p.Met557Ile; replaces methionine 557 with isoleucine.
Molecular consequence: missense variant.
Genome position (GRCh38, 1-based): chr19:47,680,841, G>T. VCF-style: chr19-47680841-G-T. GRCh37 (hg19) VCF-style: chr19-48184098-G-T.
Other names: c.1671G>T, p.Met557Ile (NM_015711.3); short protein forms M557I.
Identifiers: ClinVar variation 2499723 (VCV002499723.2), dbSNP rs1973036670, ClinGen allele CA406615199.

ClinVar aggregate classification (germline): Uncertain significance (1 of 4 stars; one submission).

Allele frequency attached by ClinVar (database versions not stated): TOPMed below 0.00001.

Submission:

GeneDx
Classification: Uncertain significance. Last evaluated: 2023-04-28. Review status: criteria provided, single submitter. Criteria: GeneDx Variant Classification Process June 2021. Collection method: clinical testing. Allele origin: germline.
Comment: Not observed at significant frequency in large population cohorts (gnomAD); In silico analysis supports that this missense variant does not alter protein structure/function; Has not been previously published as pathogenic or benign to our knowledge